The following is an entry in ClinVar:

ClinVar aggregate classification (germline): Uncertain significance (1 of 4 stars; one submission).

gnomAD v4.1: 3 of 1,613,826 alleles (0.00019%); highest among the groups gnomAD compares: African/African-American, 0.004%; no homozygotes.

Submission:

Women's Health and Genetics/Laboratory Corporation of America, LabCorp
Classification: Uncertain significance. Last evaluated: 2026-05-21. Review status: criteria provided, single submitter. Criteria: LabCorp Variant Classification Summary - May 2015. Collection method: clinical testing. Allele origin: germline.
Comment: Variant summary: SETD2 c.7498A>G (p.Thr2500Ala) results in a non-conservative amino acid change in the encoded protein sequence. Algorithms developed to predict the effect of missense changes on protein structure and function all suggest that this variant is likely to be disruptive. The variant was absent in 251412 control chromosomes. The available data on variant occurrences in the general population are insufficient to allow any conclusion about variant significance. To our knowledge, no occurrence of c.7498A>G in individuals affected with SETD2-related conditions and no experimental evidence demonstrating its impact on protein function have been reported. No submitters have cited clinical-significance assessments for this variant to ClinVar. Based on the evidence outlined above, the variant was classified as uncertain significance.

NM_014159.7(SETD2):c.7498A>G (p.Thr2500Ala)

Gene: SETD2 (SET domain containing 2, histone lysine methyltransferase; minus strand). Cytogenetic location: 3p21.31.
Variant type: single nucleotide variant.
Coding change: c.7498A>G on transcript NM_014159.7 (MANE Select); coding-DNA position 7498, A replaced by G.
Protein change: p.Thr2500Ala; replaces threonine 2500 with alanine.
Molecular consequence: missense variant. On other transcripts: non-coding transcript variant (1).
Genome position (GRCh38, 1-based): chr3:47,017,673, T>C on the plus strand (A>G on the coding strand, the complement: SETD2 is on the minus strand). VCF-style: chr3-47017673-T-C. GRCh37 (hg19) VCF-style: chr3-47059163-T-C.
Other names: c.7366A>G, p.Thr2456Ala (NM_001349370.3); short protein forms T2456A, T2500A.
Identifiers: ClinVar variation 4853731 (VCV004853731.1).